The following is an entry in ClinVar:

NM_001035235.4(SRA1):c.380G>A (p.Arg127Gln)

Gene: SRA1 (steroid receptor RNA activator 1; minus strand). Cytogenetic location: 5q31.3.
Variant type: single nucleotide variant.
Coding change: c.380G>A on transcript NM_001035235.4 (MANE Select); coding-DNA position 380, G replaced by A.
Protein change: p.Arg127Gln; replaces arginine 127 with glutamine.
Molecular consequence: missense variant. On other transcripts: non-coding transcript variant (2).
Genome position (GRCh38, 1-based): chr5:140,551,144, C>T on the plus strand (G>A on the coding strand, the complement: SRA1 is on the minus strand). VCF-style: chr5-140551144-C-T. GRCh37 (hg19) VCF-style: chr5-139930729-C-T.
Other names: c.332G>A, p.Arg111Gln (NM_001253764.2); short protein forms R127Q, R111Q.
Identifiers: ClinVar variation 4174594 (VCV004174594.2).

ClinVar aggregate classification (germline): Uncertain significance. Review status: criteria provided, multiple submitters, no conflicts (2 of 4 stars). 2 submissions from 2 submitters: Uncertain significance (2). Last evaluated 2025-09-18.

Submissions (2):

Labcorp Genetics (formerly Invitae), Labcorp
Classification: Uncertain significance. Last evaluated: 2025-09-18. Review status: criteria provided, single submitter. Criteria: Invitae Variant Classification Sherloc (09022015). Collection method: clinical testing. Allele origin: germline.
Comment: This sequence change replaces arginine, which is basic and polar, with glutamine, which is neutral and polar, at codon 139 of the SRA1 protein (p.Arg139Gln). This variant is present in population databases (rs768605466, gnomAD 0.02%). This variant has not been reported in the literature in individuals affected with SRA1-related conditions. An algorithm developed to predict the effect of missense changes on protein structure and function (PolyPhen-2) suggests that this variant is likely to be disruptive. In summary, the available evidence is currently insufficient to determine the role of this variant in disease. Therefore, it has been classified as a Variant of Uncertain Significance.

Ambry Genetics
Classification: Uncertain significance. Last evaluated: 2025-08-12. Review status: criteria provided, single submitter. Criteria: Ambry Variant Classification Scheme 2023. Collection method: clinical testing. Allele origin: germline.